The following is an entry in ClinVar:

ClinVar aggregate classification (germline): Conflicting classifications of pathogenicity. Review status: criteria provided, conflicting classifications (1 of 4 stars). 5 submissions from 4 submitters: Uncertain significance (2); Benign (1); Likely benign (1). 1 of the submissions does not count toward it. Last evaluated 2023-08-17.

Conditions:
WFS1-related disorder. Identifiers: MedGen CN379391, MONDO:0700293.
Autosomal dominant nonsyndromic hearing loss 6 (LFSNHL). Also called: DEAFNESS, AUTOSOMAL DOMINANT 6; DEAFNESS, AUTOSOMAL DOMINANT 14; DEAFNESS, AUTOSOMAL DOMINANT 38; Autosomal dominant nonsyndromic deafness 6; DIDMOAD (Diabetes Insipidus, Diabetes Mellitus, Optic Atrophy, and Deafness). Identifiers: Orphanet 90635, MedGen C1833021, MONDO:0010963, OMIM 600965.
Wolfram syndrome 1 (WFS1). Identifiers: Orphanet 3463, MedGen C4551693, MONDO:0009101, OMIM 222300.
WFS1-Related Spectrum Disorders.

Allele frequency attached by ClinVar (database versions not stated): gnomAD below 0.00001 and 0.00001; gnomAD exomes 0.00001 and 0.00002; ExAC 0.00002.

Submissions (5):

Labcorp Genetics (formerly Invitae), Labcorp
Classification: Likely benign. Last evaluated: 2023-08-17. Review status: criteria provided, single submitter. Criteria: Invitae Variant Classification Sherloc (09022015). Collection method: clinical testing. Allele origin: germline.

Illumina Laboratory Services, Illumina
Classification: Uncertain significance for Autosomal dominant nonsyndromic hearing loss 6. Last evaluated: 2018-01-13. Review status: criteria provided, single submitter. Criteria: ICSL Variant Classification Criteria 13 December 2019. Collection method: clinical testing. Allele origin: germline.

Illumina Laboratory Services, Illumina
Classification: Uncertain significance for WFS1-Related Spectrum Disorders. Last evaluated: 2018-01-13. Review status: criteria provided, single submitter. Criteria: ICSL Variant Classification Criteria 13 December 2019. Collection method: clinical testing. Allele origin: germline.

Clinical Genomics, Uppaluri K&H Personalized Medicine Clinic
Classification: Benign for Wolfram syndrome 1. Review status: criteria provided, single submitter. Criteria: K & H Uppaluri Personalized Medicine Clinic Variant Classification & Assertion Criteria_Updated V.1. Collection method: research. Allele origin: unknown. Inheritance: Autosomal recessive inheritance.
Comment: Potent mutations in WFS1 gene are associated with Wolfram's syndrome, an autosomal recessive condition, which cause diabetes mellitus, diabetes insipidus, deafness and optic atrophy. However no sufficient evidence is found to ascertain the role of this particular variant rs773643250 in Wolfram's syndrome yet.

PreventionGenetics, part of Exact Sciences
Classification: Likely benign for WFS1-related condition. Last evaluated: 2019-09-10. Review status: no assertion criteria provided. Collection method: clinical testing. Allele origin: germline. Not counted in ClinVar's aggregate classification.
Comment: This variant is classified as likely benign based on ACMG/AMP sequence variant interpretation guidelines (Richards et al. 2015 PMID: 25741868, with internal and published modifications).

Literature cited by the submitters: PubMed 20738327 (cited by Clinical Genomics, Uppaluri K&H Personalized Medicine Clinic); PubMed 33879153 (cited by Clinical Genomics, Uppaluri K&H Personalized Medicine Clinic); PubMed 12955714 (cited by Clinical Genomics, Uppaluri K&H Personalized Medicine Clinic); PubMed 18060660 (cited by Clinical Genomics, Uppaluri K&H Personalized Medicine Clinic); PubMed 20301750 (cited by Clinical Genomics, Uppaluri K&H Personalized Medicine Clinic); PubMed 17603484 (cited by Clinical Genomics, Uppaluri K&H Personalized Medicine Clinic).

NM_006005.3(WFS1):c.2514T>C (p.Pro838=)

Gene: WFS1 (wolframin ER transmembrane glycoprotein; plus strand). Cytogenetic location: 4p16.1.
Variant type: single nucleotide variant.
Coding change: c.2514T>C on transcript NM_006005.3 (MANE Select); coding-DNA position 2514, T replaced by C.
Protein change: p.Pro838=; no amino-acid change (proline 838 retained).
Molecular consequence: synonymous variant.
Genome position (GRCh38, 1-based): chr4:6,302,309, T>C. VCF-style: chr4-6302309-T-C. GRCh37 (hg19) VCF-style: chr4-6304036-T-C.
Other names: c.2514T>C, p.Pro838= (NM_001145853.1).
Identifiers: ClinVar variation 904460 (VCV000904460.10), dbSNP rs773643250, ClinGen allele CA2839758.